The following is an entry in ClinVar:

ClinVar aggregate classification (germline): Uncertain significance. Review status: criteria provided, multiple submitters, no conflicts (2 of 4 stars). 4 submissions from 4 submitters: Uncertain significance (4). Last evaluated 2026-04-17.

Conditions:
LRP2-related disorder. Also called: LRP2-related condition.
Donnai-Barrow syndrome. Also called: FACIOOCULOACOUSTICORENAL SYNDROME; DBS/FOAR SYNDROME. Identifiers: Orphanet 2143, MedGen C1857277, MONDO:0009104, OMIM 222448.

Allele frequency attached by ClinVar (database versions not stated): ExAC 0.00001; gnomAD exomes 0.00001 and 0.00002; TOPMed 0.00003; gnomAD 0.00009 and 0.00012.
gnomAD v4.1: 39 of 1,613,214 alleles (0.0024%); highest among the groups gnomAD compares: Admixed American, 0.028%; no homozygotes.

Submissions (4):

PreventionGenetics, part of Exact Sciences
Classification: Uncertain significance for LRP2-related condition. Last evaluated: 2026-04-17. Review status: criteria provided, single submitter. Criteria: ACMG Guidelines, 2015. Collection method: clinical testing. Allele origin: germline.
Comment: The LRP2 c.2422A>G variant is predicted to result in the amino acid substitution p.Ile808Val. To our knowledge, this variant has not been reported in the literature. This variant is reported in 0.013% of alleles in individuals of South Asian descent in gnomAD. At this time, the clinical significance of this variant is uncertain due to the absence of conclusive functional and genetic evidence.

Blueprint Genetics
Classification: Uncertain significance. Last evaluated: 2024-11-08. Review status: criteria provided, single submitter. Criteria: ACMG Guidelines, 2015. Collection method: clinical testing. Allele origin: germline.

Fulgent Genetics
Classification: Uncertain significance for Donnai-Barrow syndrome. Last evaluated: 2024-05-21. Review status: criteria provided, single submitter. Criteria: ACMG Guidelines, 2015. Collection method: clinical testing. Allele origin: germline.

Labcorp Genetics (formerly Invitae), Labcorp
Classification: Uncertain significance. Last evaluated: 2022-09-27. Review status: criteria provided, single submitter. Criteria: Invitae Variant Classification Sherloc (09022015). Collection method: clinical testing. Allele origin: germline.
Comment: This sequence change replaces isoleucine, which is neutral and non-polar, with valine, which is neutral and non-polar, at codon 808 of the LRP2 protein (p.Ile808Val). This variant is present in population databases (rs772261621, gnomAD 0.02%). This variant has not been reported in the literature in individuals affected with LRP2-related conditions. ClinVar contains an entry for this variant (Variation ID: 1404424). Advanced modeling of protein sequence and biophysical properties (such as structural, functional, and spatial information, amino acid conservation, physicochemical variation, residue mobility, and thermodynamic stability) performed at Invitae indicates that this missense variant is not expected to disrupt LRP2 protein function. In summary, the available evidence is currently insufficient to determine the role of this variant in disease. Therefore, it has been classified as a Variant of Uncertain Significance.

NM_004525.3(LRP2):c.2422A>G (p.Ile808Val)

Gene: LRP2 (LDL receptor related protein 2; minus strand). Cytogenetic location: 2q31.1.
Variant type: single nucleotide variant.
Coding change: c.2422A>G on transcript NM_004525.3 (MANE Select); coding-DNA position 2422, A replaced by G.
Protein change: p.Ile808Val; replaces isoleucine 808 with valine.
Molecular consequence: missense variant.
Genome position (GRCh38, 1-based): chr2:169,259,116, T>C on the plus strand (A>G on the coding strand, the complement: LRP2 is on the minus strand). VCF-style: chr2-169259116-T-C. GRCh37 (hg19) VCF-style: chr2-170115626-T-C.
Other names: c.2422A>G (NM_004525.2); short protein forms I808V.
Identifiers: ClinVar variation 1404424 (VCV001404424.7), dbSNP rs772261621, ClinGen allele CA1955306.